The following is an entry in ClinVar:

NM_005445.4(SMC3):c.1365T>C (p.Tyr455=)

Gene: SMC3 (structural maintenance of chromosomes 3; plus strand). Cytogenetic location: 10q25.2.
Variant type: single nucleotide variant.
Coding change: c.1365T>C on transcript NM_005445.4 (MANE Select); coding-DNA position 1365, T replaced by C.
Protein change: p.Tyr455=; no amino-acid change (tyrosine 455 retained).
Molecular consequence: synonymous variant.
Genome position (GRCh38, 1-based): chr10:110,589,664, T>C. VCF-style: chr10-110589664-T-C. GRCh37 (hg19) VCF-style: chr10-112349422-T-C.
Identifiers: ClinVar variation 159967 (VCV000159967.25), dbSNP rs75323904, ClinGen allele CA173522.

ClinVar aggregate classification (germline): Benign. Review status: criteria provided, multiple submitters, no conflicts (2 of 4 stars). 7 submissions from 7 submitters: Benign (7). Last evaluated 2026-02-03.

Conditions:
Inborn genetic diseases. Identifiers: MedGen C0950123, MeSH D030342.
Cornelia de Lange syndrome 3 (CDLS3). Also called: SMC3-Related Cornelia de Lange Syndrome; CORNELIA DE LANGE SYNDROME 3 WITH OR WITHOUT MIDLINE BRAIN DEFECTS. Identifiers: Orphanet 199, MedGen C1853099, MONDO:0012555, OMIM 610759.

Allele frequency attached by ClinVar (database versions not stated): gnomAD exomes 0.04223 and 0.04404; ExAC 0.04819; 1000 Genomes Project 0.04972; 1000 Genomes Project 30x 0.05153; gnomAD 0.05941 and 0.06157; TOPMed 0.06021; ESP Exome Variant Server 0.06493.
gnomAD v4.1: 73,448 of 1,609,758 alleles (4.6%); highest among the groups gnomAD compares: African/African-American, 11%; 2,000 homozygotes.

Submissions (7):

Labcorp Genetics (formerly Invitae), Labcorp
Classification: Benign for Cornelia de Lange syndrome 3. Last evaluated: 2026-02-03. Review status: criteria provided, single submitter. Criteria: Invitae Variant Classification Sherloc (09022015). Collection method: clinical testing. Allele origin: germline.

Illumina Laboratory Services, Illumina
Classification: Benign for Cornelia de Lange syndrome 3. Last evaluated: 2018-01-12. Review status: criteria provided, single submitter. Criteria: ICSL Variant Classification Criteria 13 December 2019. Collection method: clinical testing. Allele origin: germline.
Comment: This variant was observed in the ICSL laboratory as part of a predisposition screen in an ostensibly healthy population. It had not been previously curated by ICSL or reported in the Human Gene Mutation Database (HGMD: prior to June 1st, 2018), and was therefore a candidate for classification through an automated scoring system. Utilizing variant allele frequency, disease prevalence and penetrance estimates, and inheritance mode, an automated score was calculated to assess if this variant is too frequent to cause the disease. Based on the score and internal cut-off values, a variant classified as benign is not then subjected to further curation. The score for this variant resulted in a classification of benign for this disease.

GeneDx
Classification: Benign. Last evaluated: 2017-04-04. Review status: criteria provided, single submitter. Criteria: GeneDx Variant Classification (06012015). Collection method: clinical testing. Allele origin: germline. Affected: yes.
Comment: This variant is considered likely benign or benign based on one or more of the following criteria: it is a conservative change, it occurs at a poorly conserved position in the protein, it is predicted to be benign by multiple in silico algorithms, and/or has population frequency not consistent with disease.

Ambry Genetics
Classification: Benign for Inborn genetic diseases. Last evaluated: 2016-04-19. Review status: criteria provided, single submitter. Criteria: Ambry Variant Classification Scheme 2023. Collection method: clinical testing. Allele origin: germline.

Genetic Services Laboratory, University of Chicago
Classification: Benign. Last evaluated: 2013-02-08. Review status: criteria provided, single submitter. Criteria: ACMG Guidelines, 2007. Collection method: clinical testing. Allele origin: germline. Inheritance: Autosomal dominant inheritance.

Breakthrough Genomics
Classification: Benign. Review status: criteria provided, single submitter. Criteria: ACMG Guidelines, 2015. Collection method: not provided. Allele origin: germline. Inheritance: Autosomal dominant inheritance. Affected: yes.

PreventionGenetics, part of Exact Sciences
Classification: Benign. Review status: criteria provided, single submitter. Criteria: ACMG Guidelines, 2015. Collection method: clinical testing. Allele origin: germline.